The following is an entry in ClinVar:

NM_000278.5(PAX2):c.374A>T (p.Asp125Val)

Gene: PAX2 (paired box 2; plus strand). Cytogenetic location: 10q24.31.
Variant type: single nucleotide variant.
Coding change: c.374A>T on transcript NM_000278.5 (MANE Select); coding-DNA position 374, A replaced by T.
Protein change: p.Asp125Val; replaces aspartic acid 125 with valine.
Molecular consequence: missense variant.
Genome position (GRCh38, 1-based): chr10:100,750,855, A>T. VCF-style: chr10-100750855-A-T. GRCh37 (hg19) VCF-style: chr10-102510612-A-T.
Other names: c.467A>T, p.Asp156Val (NM_001304569.2); c.374A>T, p.Asp125Val (NM_003987.5, NM_003988.5, NM_003989.5 and 1 more transcripts); short protein forms D125V, D156V.
Identifiers: ClinVar variation 1345651 (VCV001345651.6), dbSNP rs2133836581, ClinGen allele CA378258141.

ClinVar aggregate classification (germline): Uncertain significance (1 of 4 stars; one submission).

Conditions:
Renal coloboma syndrome (PAPRS). Also called: PAPILLORENAL SYNDROME WITH MILD OCULAR ABNORMALITIES; OPTIC COLOBOMA, VESICOURETERAL REFLUX, AND RENAL ANOMALIES; OPTIC NERVE COLOBOMA WITH RENAL DISEASE; RENAL-COLOBOMA SYNDROME WITH MACULAR ABNORMALITIES; PAPILLORENAL SYNDROME; COLOBOMA OF OPTIC NERVE WITH RENAL DISEASE. Identifiers: Orphanet 1475, MedGen C1852759, MONDO:0007352, OMIM 120330.
Focal segmental glomerulosclerosis 7 (FSGS7). Identifiers: Orphanet 656, MedGen C4014925, MONDO:0014451, OMIM 616002.

Submission:

Labcorp Genetics (formerly Invitae), Labcorp
Classification: Uncertain significance for Renal coloboma syndrome; Focal segmental glomerulosclerosis 7. Last evaluated: 2023-11-27. Review status: criteria provided, single submitter. Criteria: Invitae Variant Classification Sherloc (09022015). Collection method: clinical testing. Allele origin: germline.
Comment: This sequence change replaces aspartic acid, which is acidic and polar, with valine, which is neutral and non-polar, at codon 125 of the PAX2 protein (p.Asp125Val). This variant is not present in population databases (gnomAD no frequency). This variant has not been reported in the literature in individuals affected with PAX2-related conditions. ClinVar contains an entry for this variant (Variation ID: 1345651). Experimental studies and prediction algorithms are not available or were not evaluated, and the functional significance of this variant is currently unknown. In summary, the available evidence is currently insufficient to determine the role of this variant in disease. Therefore, it has been classified as a Variant of Uncertain Significance.